The following is an entry in ClinVar:

ClinVar aggregate classification (germline): Uncertain significance (1 of 4 stars; one submission).

Submission:

GeneDx
Classification: Uncertain significance. Last evaluated: 2023-05-10. Review status: criteria provided, single submitter. Criteria: GeneDx Variant Classification Process June 2021. Collection method: clinical testing. Allele origin: germline. Affected: yes.
Comment: Not observed at significant frequency in large population cohorts (gnomAD); In silico analysis supports that this missense variant does not alter protein structure/function; Has not been previously published as pathogenic or benign to our knowledge

NM_031407.7(HUWE1):c.5695G>T (p.Ala1899Ser)

Gene: HUWE1 (HECT, UBA and WWE domain containing E3 ubiquitin protein ligase 1; minus strand). Cytogenetic location: Xp11.22.
Variant type: single nucleotide variant.
Coding change: c.5695G>T on transcript NM_031407.7 (MANE Select); coding-DNA position 5695, G replaced by T.
Protein change: p.Ala1899Ser; replaces alanine 1899 with serine.
Molecular consequence: missense variant.
Genome position (GRCh38, 1-based): chrX:53,580,852, C>A on the plus strand (G>T on the coding strand, the complement: HUWE1 is on the minus strand). VCF-style: chrX-53580852-C-A. GRCh37 (hg19) VCF-style: chrX-53607812-C-A.
Other names: short protein forms A1899S.
Identifiers: ClinVar variation 2661954 (VCV002661954.1), dbSNP rs2525373838, ClinGen allele CA413173016.